The following is an entry in ClinVar:

NM_139276.3(STAT3):c.274-3T>C

Gene: STAT3 (signal transducer and activator of transcription 3; minus strand). Cytogenetic location: 17q21.2.
Variant type: single nucleotide variant.
Coding change: c.274-3T>C on transcript NM_139276.3 (MANE Select); 3 bases into the intron before coding-DNA position 274, T replaced by C.
Molecular consequence: intron variant.
Genome position (GRCh38, 1-based): chr17:42,345,660, A>G on the plus strand (T>C on the coding strand, the complement: STAT3 is on the minus strand). VCF-style: chr17-42345660-A-G. GRCh37 (hg19) VCF-style: chr17-40497678-A-G.
Other names: c.274-3T>C (NM_001384989.1, NM_001384992.1, NM_001384984.1 and 16 more transcripts); c.274-81T>C (NM_001384985.1).
Identifiers: ClinVar variation 568862 (VCV000568862.11), dbSNP rs375237933, ClinGen allele CA8575672.

ClinVar aggregate classification (germline): Conflicting classifications of pathogenicity. Review status: criteria provided, conflicting classifications (1 of 4 stars). 3 submissions from 3 submitters: Uncertain significance (1); Likely benign (2). Last evaluated 2026-08-31.

Conditions:
Hyper-IgE recurrent infection syndrome 1, autosomal dominant. Also called: Hyper-IgE recurrent infection syndrome 1; HYPER-IgE SYNDROME 1, AUTOSOMAL DOMINANT, WITH RECURRENT INFECTIONS; Job's Syndrome; JOB SYNDROME; STAT3 Hyper IgE Syndrome. Identifiers: Orphanet 2314, MedGen C2936739, MONDO:0007818, OMIM 147060.
STAT3 gain of function. Identifiers: MedGen C4288261.
STAT3-related disorder. Also called: STAT3-related condition.

Allele frequency attached by ClinVar (database versions not stated): TOPMed 0.00005; gnomAD 0.00006 and 0.00005; ESP Exome Variant Server 0.00015; gnomAD exomes 0.00003 and 0.00004; ExAC 0.00005.
gnomAD v4.1: 47 of 1,596,282 alleles (0.0029%); highest among the groups gnomAD compares: Admixed American, 0.012%; no homozygotes.

Submissions (3):

PreventionGenetics, part of Exact Sciences
Classification: Likely benign for STAT3-related condition. Last evaluated: 2026-08-31. Review status: criteria provided, single submitter. Criteria: ACMG Guidelines, 2015. Collection method: clinical testing. Allele origin: germline.
Comment: This variant is classified as likely benign based on ACMG/AMP sequence variant interpretation guidelines (Richards et al. 2015 PMID: 25741868, with internal and published modifications).

Labcorp Genetics (formerly Invitae), Labcorp
Classification: Uncertain significance for STAT3 gain of function; Hyper-IgE recurrent infection syndrome 1, autosomal dominant. Last evaluated: 2026-01-26. Review status: criteria provided, single submitter. Criteria: Invitae Variant Classification Sherloc (09022015). Collection method: clinical testing. Allele origin: germline.
Comment: This sequence change falls in intron 3 of the STAT3 gene. It does not directly change the encoded amino acid sequence of the STAT3 protein. It affects a nucleotide within the consensus splice site. This variant is present in population databases (rs375237933, gnomAD 0.02%). This variant has not been reported in the literature in individuals affected with STAT3-related conditions. ClinVar contains an entry for this variant (Variation ID: 568862). Variants that disrupt the consensus splice site are a relatively common cause of aberrant splicing (PMID: 17576681, 9536098). Algorithms developed to predict the effect of sequence changes on RNA splicing suggest that this variant is not likely to affect RNA splicing. In summary, the available evidence is currently insufficient to determine the role of this variant in disease. Therefore, it has been classified as a Variant of Uncertain Significance.

Blueprint Genetics
Classification: Likely benign. Last evaluated: 2022-07-17. Review status: criteria provided, single submitter. Criteria: ACMG Guidelines, 2015. Collection method: clinical testing. Allele origin: germline.

Literature cited by the submitters: PubMed 17576681 (cited by Labcorp Genetics (formerly Invitae), Labcorp); PubMed 9536098 (cited by Labcorp Genetics (formerly Invitae), Labcorp).